The following is an entry in ClinVar:

ClinVar aggregate classification (germline): Pathogenic. Review status: criteria provided, single submitter (1 of 4 stars). 2 submissions from 2 submitters: Pathogenic (1). 1 of the submissions does not count toward it. Last evaluated 2016-01-26.

Conditions:
Peutz-Jeghers syndrome (PJS). Also called: Peutz-Jeghers polyposis; Periorificial lentiginosis syndrome; POLYPOSIS, HAMARTOMATOUS INTESTINAL; POLYPS-AND-SPOTS SYNDROME. Identifiers: Orphanet 2869, MedGen C0031269, MeSH D010580, MONDO:0008280, OMIM 175200.

Submissions (2):

Labcorp Genetics (formerly Invitae), Labcorp
Classification: Pathogenic for Peutz-Jeghers syndrome. Last evaluated: 2016-01-26. Review status: criteria provided, single submitter. Criteria: Invitae Variant Classification Sherloc (09022015). Collection method: clinical testing. Allele origin: germline.
Comment: For these reasons, this variant has been classified as Pathogenic. An experimental study has shown that this missense change impairs the kinase function of STK11 by disrupting association with its binding partners STRAD and MO25 (PMID: 15561763). In addition, multiple PJS-associated missense mutations have been reported in this region, suggesting that this is an important domain for STK11 function (PMID: 20497868, 11389158, 17924967). This variant has been reported in two individuals affected with Peutz-Jeghers syndrome (PJS) (PMID: 12372054, 24054548). ClinVar contains an entry for this variant (Variation ID: 7458). This variant is not present in population databases (rs137853082, ExAC no frequency). This sequence change replaces tryptophan with cysteine at codon 239 of the STK11 protein (p.Trp239Cys). The tryptophan residue is highly conserved and there is a large physicochemical difference between tryptophan and cysteine.

OMIM
Classification: Pathogenic for PEUTZ-JEGHERS SYNDROME. Last evaluated: 2002-10-01. Review status: no assertion criteria provided. Collection method: literature only. Allele origin: germline. Not counted in ClinVar's aggregate classification.

Literature cited by the submitters: PubMed 15561763 (cited by Labcorp Genetics (formerly Invitae), Labcorp); PubMed 20497868 (cited by Labcorp Genetics (formerly Invitae), Labcorp); PubMed 11389158 (cited by Labcorp Genetics (formerly Invitae), Labcorp); PubMed 17924967 (cited by Labcorp Genetics (formerly Invitae), Labcorp); PubMed 12372054 (cited by Labcorp Genetics (formerly Invitae), Labcorp and OMIM); PubMed 24054548 (cited by Labcorp Genetics (formerly Invitae), Labcorp).

NM_000455.5(STK11):c.717G>C (p.Trp239Cys)

Gene: STK11 (serine/threonine kinase 11; plus strand). Cytogenetic location: 19p13.3.
Variant type: single nucleotide variant.
Coding change: c.717G>C on transcript NM_000455.5 (MANE Select); coding-DNA position 717, G replaced by C.
Protein change: p.Trp239Cys; replaces tryptophan 239 with cysteine.
Molecular consequence: missense variant.
Genome position (GRCh38, 1-based): chr19:1,220,700, G>C. VCF-style: chr19-1220700-G-C. GRCh37 (hg19) VCF-style: chr19-1220699-G-C.
Other names: short protein forms W239C.
Identifiers: ClinVar variation 7458 (VCV000007458.8), dbSNP rs137853082, ClinGen allele CA023239.